The following is an entry in ClinVar:

NM_000487.6(ARSA):c.14C>T (p.Ala5Val)

Gene: ARSA (arylsulfatase A; minus strand). Cytogenetic location: 22q13.33.
Variant type: single nucleotide variant.
Coding change: c.14C>T on transcript NM_000487.6 (MANE Select); coding-DNA position 14, C replaced by T.
Protein change: p.Ala5Val; replaces alanine 5 with valine.
Molecular consequence: missense variant. On other transcripts: intron variant (2).
Genome position (GRCh38, 1-based): chr22:50,627,766, G>A on the plus strand (C>T on the coding strand, the complement: ARSA is on the minus strand). VCF-style: chr22-50627766-G-A. GRCh37 (hg19) VCF-style: chr22-51066194-G-A.
Other names: c.14C>T, p.Ala5Val (NM_001085425.3, NM_001085426.3, NM_001085427.3); c.-35+225C>T (NM_001362782.2); c.-35+180C>T (NM_001085428.3); short protein forms A5V.
Identifiers: ClinVar variation 1254064 (VCV001254064.8), dbSNP rs201315540, ClinGen allele CA10325126.
Genomic context (GRCh38, chr22:50,627,766, plus strand): 5'-ATGTTGGGCGGACGGGCAACGGCCAGGCCAGCAGCCAGGGCCAGGAGGAGGGACCGCGGT[G>A]CCCCCATGGACATGGGACCGAGGGGTCTGTCCCAAGAGAGGGAGGGCTACTTGGCTCCAG-3'
Protein context (NP_000478.3, residues 1-15): MSMG[Ala5Val]PRSLLLALAA

ClinVar aggregate classification (germline): Uncertain significance. Review status: criteria provided, multiple submitters, no conflicts (2 of 4 stars). 3 submissions from 3 submitters: Uncertain significance (2). 1 of the submissions does not count toward it. Last evaluated 2022-08-31.

Conditions:
Metachromatic leukodystrophy (MLD). Also called: Cerebral sclerosis diffuse metachromatic form; Arylsulfatase A Deficiency; SULFATIDE LIPIDOSIS; ARSA DEFICIENCY; CEREBROSIDE SULFATASE DEFICIENCY; METACHROMATIC LEUKOENCEPHALOPATHY. Identifiers: Orphanet 512, MedGen C0023522, MONDO:0018868, OMIM 250100.

Allele frequency attached by ClinVar (database versions not stated): gnomAD exomes 0.00011 and 0.00016; gnomAD 0.00015 and 0.00018; TOPMed 0.00019; ExAC 0.00023.
gnomAD v4.1: 250 of 1,546,194 alleles (0.016%); highest among the groups gnomAD compares: Non-Finnish European, 0.02%; no homozygotes.

Submissions (3):

Labcorp Genetics (formerly Invitae), Labcorp
Classification: Uncertain significance for Metachromatic leukodystrophy. Last evaluated: 2022-08-31. Review status: criteria provided, single submitter. Criteria: Invitae Variant Classification Sherloc (09022015). Collection method: clinical testing. Allele origin: germline.
Comment: This sequence change replaces alanine, which is neutral and non-polar, with valine, which is neutral and non-polar, at codon 5 of the ARSA protein (p.Ala5Val). This variant is present in population databases (rs201315540, gnomAD 0.02%). This variant has not been reported in the literature in individuals affected with ARSA-related conditions. ClinVar contains an entry for this variant (Variation ID: 1254064). Algorithms developed to predict the effect of missense changes on protein structure and function output the following: SIFT: "Tolerated"; PolyPhen-2: "Possibly Damaging"; Align-GVGD: "Class C0". The valine amino acid residue is found in multiple mammalian species, which suggests that this missense change does not adversely affect protein function. Algorithms developed to predict the effect of sequence changes on RNA splicing suggest that this variant may create or strengthen a splice site. In summary, the available evidence is currently insufficient to determine the role of this variant in disease. Therefore, it has been classified as a Variant of Uncertain Significance.

GeneDx
Classification: Uncertain significance. Last evaluated: 2021-07-30. Review status: criteria provided, single submitter. Criteria: GeneDx Variant Classification Process June 2021. Collection method: clinical testing. Allele origin: germline. Affected: yes.
Comment: In silico analysis supports that this missense variant does not alter protein structure/function; Has not been previously published as pathogenic or benign to our knowledge

Natera, Inc.
Classification: Uncertain significance for Metachromatic leukodystrophy. Last evaluated: 2020-01-18. Review status: no assertion criteria provided. Collection method: clinical testing. Allele origin: germline. Not counted in ClinVar's aggregate classification.